The following is an entry in ClinVar:

NM_018192.4(P3H2):c.82G>C (p.Asp28His)

Gene: P3H2 (prolyl 3-hydroxylase 2; minus strand). Cytogenetic location: 3q28.
Variant type: single nucleotide variant.
Coding change: c.82G>C on transcript NM_018192.4 (MANE Select); coding-DNA position 82, G replaced by C.
Protein change: p.Asp28His; replaces aspartic acid 28 with histidine.
Molecular consequence: missense variant. On other transcripts: intron variant (1).
Genome position (GRCh38, 1-based): chr3:190,120,650, C>G on the plus strand (G>C on the coding strand, the complement: P3H2 is on the minus strand). VCF-style: chr3-190120650-C-G. GRCh37 (hg19) VCF-style: chr3-189838439-C-G.
Other names: c.-64+1553G>C (NM_001134418.2); short protein forms D28H.
Identifiers: ClinVar variation 1473095 (VCV001473095.6), dbSNP rs751800036, ClinGen allele CA355860208.
Genomic context (GRCh38, chr3:190,120,650, plus strand): 5'-AGAGCAGGTCGAAGGGCTGCAGAGGCCCGGGCTCCAGCTCCAGCTCCCGGCGTGGGCTGT[C>G]CGGGGGGCCGCCCCACAGTGGCGGCGGCAGTAGCAGCGGCAGCAGCAGCAGCAGCGGCGG-3'
Protein context (NP_060662.2, residues 18-38): LPPPLWGGPP[Asp28His]SPRRELELEP

ClinVar aggregate classification (germline): Uncertain significance (1 of 4 stars; one submission).

gnomAD v4.1: 1 of 1,526,050 alleles (0.000066%); no homozygotes.

Submission:

Labcorp Genetics (formerly Invitae), Labcorp
Classification: Uncertain significance. Last evaluated: 2022-09-19. Review status: criteria provided, single submitter. Criteria: Invitae Variant Classification Sherloc (09022015). Collection method: clinical testing. Allele origin: germline.
Comment: In summary, the available evidence is currently insufficient to determine the role of this variant in disease. Therefore, it has been classified as a Variant of Uncertain Significance. Algorithms developed to predict the effect of missense changes on protein structure and function are either unavailable or do not agree on the potential impact of this missense change (SIFT: "Deleterious"; PolyPhen-2: "Benign"; Align-GVGD: "Class C0"). ClinVar contains an entry for this variant (Variation ID: 1473095). This variant has not been reported in the literature in individuals affected with P3H2-related conditions. This variant is not present in population databases (gnomAD no frequency). This sequence change replaces aspartic acid, which is acidic and polar, with histidine, which is basic and polar, at codon 28 of the P3H2 protein (p.Asp28His).